The following is an entry in ClinVar:

NM_000135.4(FANCA):c.1066A>G (p.Thr356Ala)

Gene: FANCA (FA complementation group A; minus strand). Cytogenetic location: 16q24.3.
Variant type: single nucleotide variant.
Coding change: c.1066A>G on transcript NM_000135.4 (MANE Select); coding-DNA position 1066, A replaced by G.
Protein change: p.Thr356Ala; replaces threonine 356 with alanine.
Molecular consequence: missense variant.
Genome position (GRCh38, 1-based): chr16:89,792,488, T>C on the plus strand (A>G on the coding strand, the complement: FANCA is on the minus strand). VCF-style: chr16-89792488-T-C. GRCh37 (hg19) VCF-style: chr16-89858896-T-C.
Other names: c.1066A>G, p.Thr356Ala (NM_001286167.3); short protein forms T356A.
Identifiers: ClinVar variation 4870802 (VCV004870802.1).

ClinVar aggregate classification (germline): Uncertain significance (1 of 4 stars; one submission).

Conditions:
Inborn genetic diseases. Identifiers: MedGen C0950123, MeSH D030342.

gnomAD v4.1: 9 of 1,613,360 alleles (0.00056%); highest among the groups gnomAD compares: Non-Finnish European, 0.00076%; no homozygotes.

Submission:

Ambry Genetics
Classification: Uncertain significance for Inborn genetic diseases. Last evaluated: 2026-03-28. Review status: criteria provided, single submitter. Criteria: Ambry Variant Classification Scheme 2023. Collection method: clinical testing. Allele origin: germline.
Comment: The p.T356A variant (also known as c.1066A>G), located in coding exon 12 of the FANCA gene, results from an A to G substitution at nucleotide position 1066. The threonine at codon 356 is replaced by alanine, an amino acid with similar properties. This amino acid position is conserved. In addition, this alteration is predicted to be tolerated by in silico analysis. Based on the available evidence, the clinical significance of this variant remains unclear.